The following is an entry in ClinVar:

NM_000257.4(MYH7):c.3148C>T (p.Arg1050Ter)

Gene: MYH7 (myosin heavy chain 7; minus strand). Cytogenetic location: 14q11.2.
Variant type: single nucleotide variant.
Coding change: c.3148C>T on transcript NM_000257.4 (MANE Select); coding-DNA position 3148, C replaced by T.
Protein change: p.Arg1050Ter; replaces arginine 1050 with a stop codon.
Molecular consequence: nonsense.
Genome position (GRCh38, 1-based): chr14:23,422,277, G>A on the plus strand (C>T on the coding strand, the complement: MYH7 is on the minus strand). VCF-style: chr14-23422277-G-A. GRCh37 (hg19) VCF-style: chr14-23891486-G-A.
Other names: p.R1050*:CGA>TGA; c.3148C>T (LRG_384t1); short protein forms R1050*.
Identifiers: ClinVar variation 181214 (VCV000181214.13), dbSNP rs730880767, ClinGen allele CA013380.

ClinVar aggregate classification (germline): Uncertain significance. Review status: criteria provided, multiple submitters, no conflicts (2 of 4 stars). 4 submissions from 4 submitters: Uncertain significance (4). Last evaluated 2025-10-25.

Conditions:
Cardiomyopathy (CMYO). Also called: Cardiomyopathies. Identifiers: Orphanet 167848, MedGen C0878544, MONDO:0004994, HP:0001638. Inheritance: Various modes of inheritance.
Hypertrophic cardiomyopathy. Also called: HYPERTROPHIC MYOCARDIOPATHY. Identifiers: Orphanet 217569, MedGen C0007194, MeSH D002312, MONDO:0005045, HP:0001639.

Allele frequency attached by ClinVar (database versions not stated): gnomAD 0.00001; TOPMed 0.00002.
gnomAD v4.1: 26 of 1,613,976 alleles (0.0016%); highest among the groups gnomAD compares: Non-Finnish European, 0.0021%; no homozygotes.

Submissions (4):

Labcorp Genetics (formerly Invitae), Labcorp
Classification: Uncertain significance for Hypertrophic cardiomyopathy. Last evaluated: 2025-10-25. Review status: criteria provided, single submitter. Criteria: Invitae Variant Classification Sherloc (09022015). Collection method: clinical testing. Allele origin: germline.
Comment: This sequence change creates a premature translational stop signal (p.Arg1050*) in the MYH7 gene. It is expected to result in an absent or disrupted protein product. However, the current clinical and genetic evidence is not sufficient to establish whether loss-of-function variants in MYH7 cause disease. This variant is present in population databases (rs730880767, gnomAD 0.004%). This variant has not been reported in the literature in individuals affected with MYH7-related conditions. ClinVar contains an entry for this variant (Variation ID: 181214). In summary, the available evidence is currently insufficient to determine the role of this variant in disease. Therefore, it has been classified as a Variant of Uncertain Significance.

Color Diagnostics, LLC DBA Color Health
Classification: Uncertain significance for Cardiomyopathy. Last evaluated: 2024-04-08. Review status: criteria provided, single submitter. Criteria: ACMG Guidelines, 2015. Collection method: clinical testing. Allele origin: germline.
Comment: This variant changes 1 nucleotide in exon 25 of the MYH7 gene, creating a premature translation stop signal. This variant is expected to result in an absent or non-functional protein product. To our knowledge, this variant has not been reported in individuals affected with cardiovascular disorders in the literature. This variant has been identified in 4/251484 chromosomes in the general population by the Genome Aggregation Database (gnomAD). Clinical significance of loss-of-function MYH7 truncation variants in autosomal dominant cardiovascular disorders is not clearly established. The available evidence is insufficient to determine the role of this variant in disease conclusively. Therefore, this variant is classified as a Variant of Uncertain Significance.

All of Us Research Program, National Institutes of Health
Classification: Uncertain significance for Cardiomyopathy. Last evaluated: 2024-02-08. Review status: criteria provided, single submitter. Criteria: ACMG Guidelines, 2015. Collection method: clinical testing. Allele origin: germline. Inheritance: Autosomal dominant inheritance. Observed: 5 variant alleles, 5 heterozygotes.
Comment: This variant changes 1 nucleotide in exon 25 of the MYH7 gene, creating a premature translation stop signal. This variant is expected to result in an absent or non-functional protein product. To our knowledge, this variant has not been reported in individuals affected with cardiovascular disorders in the literature. This variant has been identified in 4/251484 chromosomes in the general population by the Genome Aggregation Database (gnomAD). Clinical significance of loss-of-function MYH7 truncation variants in autosomal dominant cardiovascular disorders is not clearly established. The available evidence is insufficient to determine the role of this variant in disease conclusively. Therefore, this variant is classified as a Variant of Uncertain Significance.

This study involves interpretation of variants in research participants for the purpose of population health screening. Participant phenotype was not available at the time of variant classification. Additional details can be found in publication PMID: 35346344, PMCID: PMC8962531

GeneDx
Classification: Uncertain significance. Last evaluated: 2017-01-06. Review status: criteria provided, single submitter. Criteria: GeneDx Variant Classification (06012015). Collection method: clinical testing. Allele origin: germline. Affected: yes.
Comment: p.Arg1050Stop (CGA>TGA): c.3148 C>T in exon 25 of the MYH7 gene (NM_000257.2). A variant of unknown significance has been identified in the MYH7 gene. The R1050X variant in the MYH7 gene has not been reported as a disease-causing mutation or as a benign polymorphism to our knowledge. R1050X is predicted to cause loss of normal protein function either by protein truncation or nonsense-mediated mRNA decay. Although nonsense mutations in the MYH7 gene have been reported in association with cardiomyopathy, the vast majority of mutations in MYH7 are missense changes. Furthermore, various studies have conflicting hypotheses regarding MYH7 haploinsufficiency leading to cardiomyopathy (Nishi H et al., 1995; Waldmuller S et al., 2011). Therefore, based on the currently available information, it is unclear whether this variant is a pathogenic mutation or a rare benign variant. The variant is found in CARDIOMYOPATHY panel(s).